The following is an entry in ClinVar:

ClinVar aggregate classification (germline): Uncertain significance (1 of 4 stars; one submission).

Conditions:
Spastic paraplegia. Identifiers: MedGen C0037772, HP:0001258.

Allele frequency attached by ClinVar (database versions not stated): TOPMed 0.00001; gnomAD exomes 0.00001; gnomAD 0.00002.

Submission:

Labcorp Genetics (formerly Invitae), Labcorp
Classification: Uncertain significance for Spastic paraplegia. Last evaluated: 2022-10-06. Review status: criteria provided, single submitter. Criteria: Invitae Variant Classification Sherloc (09022015). Collection method: clinical testing. Allele origin: germline.
Comment: In summary, the available evidence is currently insufficient to determine the role of this variant in disease. Therefore, it has been classified as a Variant of Uncertain Significance. Advanced modeling of protein sequence and biophysical properties (such as structural, functional, and spatial information, amino acid conservation, physicochemical variation, residue mobility, and thermodynamic stability) has been performed at Invitae for this missense variant, however the output from this modeling did not meet the statistical confidence thresholds required to predict the impact of this variant on GJC2 protein function. This variant has not been reported in the literature in individuals affected with GJC2-related conditions. This variant is present in population databases (no rsID available, gnomAD 0.01%). This sequence change replaces histidine, which is basic and polar, with leucine, which is neutral and non-polar, at codon 346 of the GJC2 protein (p.His346Leu).

NM_020435.4(GJC2):c.1037A>T (p.His346Leu)

Gene: GJC2 (gap junction protein gamma 2; plus strand). Cytogenetic location: 1q42.13.
Variant type: single nucleotide variant.
Coding change: c.1037A>T on transcript NM_020435.4 (MANE Select); coding-DNA position 1037, A replaced by T.
Protein change: p.His346Leu; replaces histidine 346 with leucine.
Molecular consequence: missense variant.
Genome position (GRCh38, 1-based): chr1:228,158,795, A>T. VCF-style: chr1-228158795-A-T. GRCh37 (hg19) VCF-style: chr1-228346496-A-T.
Other names: short protein forms H346L.
Identifiers: ClinVar variation 2074309 (VCV002074309.4), dbSNP rs1368561337, ClinGen allele CA345100430.